The following is an entry in ClinVar:

NM_014908.4(DOLK):c.158C>G (p.Ala53Gly)

Gene: DOLK (dolichol kinase; minus strand). Cytogenetic location: 9q34.11.
Variant type: single nucleotide variant.
Coding change: c.158C>G on transcript NM_014908.4 (MANE Select); coding-DNA position 158, C replaced by G.
Protein change: p.Ala53Gly; replaces alanine 53 with glycine.
Molecular consequence: missense variant.
Genome position (GRCh38, 1-based): chr9:128,947,146, G>C on the plus strand (C>G on the coding strand, the complement: DOLK is on the minus strand). VCF-style: chr9-128947146-G-C. GRCh37 (hg19) VCF-style: chr9-131709425-G-C.
Other names: short protein forms A53G.
Identifiers: ClinVar variation 4826054 (VCV004826054.1).

ClinVar aggregate classification (germline): Uncertain significance (1 of 4 stars; one submission).

Conditions:
Cardiovascular phenotype. Identifiers: MedGen CN230736.

Submission:

Ambry Genetics
Classification: Uncertain significance for Cardiovascular phenotype. Last evaluated: 2026-03-11. Review status: criteria provided, single submitter. Criteria: Ambry Variant Classification Scheme 2023. Collection method: clinical testing. Allele origin: germline.
Comment: The p.A53G variant (also known as c.158C>G), located in coding exon 1 of the DOLK gene, results from a C to G substitution at nucleotide position 158. The alanine at codon 53 is replaced by glycine, an amino acid with similar properties. This amino acid position is conserved. In addition, this alteration is predicted to be deleterious by in silico analysis. Based on the available evidence, the clinical significance of this variant remains unclear.